The following is an entry in ClinVar:

ClinVar aggregate classification (germline): Benign. Review status: criteria provided, multiple submitters, no conflicts (2 of 4 stars). 3 submissions from 3 submitters: Benign (2). 1 of the submissions does not count toward it. Last evaluated 2026-01-26.

Conditions:
LRRK1-related disorder. Also called: LRRK1-related condition.

Allele frequency attached by ClinVar (database versions not stated): gnomAD exomes 0.00105; ExAC 0.00132; gnomAD 0.00421 and 0.00451; 1000 Genomes Project 30x 0.00437; 1000 Genomes Project 0.00439; TOPMed 0.00479; ESP Exome Variant Server 0.00532.
gnomAD v4.1: 1,249 of 1,614,190 alleles (0.077%); highest among the groups gnomAD compares: African/African-American, 1.5%; 7 homozygotes.

Submissions (3):

Labcorp Genetics (formerly Invitae), Labcorp
Classification: Benign. Last evaluated: 2026-01-26. Review status: criteria provided, single submitter. Criteria: Invitae Variant Classification Sherloc (09022015). Collection method: clinical testing. Allele origin: germline.

Breakthrough Genomics
Classification: Benign. Review status: criteria provided, single submitter. Criteria: ACMG Guidelines, 2015. Collection method: not provided. Allele origin: germline. Inheritance: Autosomal recessive inheritance. Affected: yes.

PreventionGenetics, part of Exact Sciences
Classification: Benign for LRRK1-related condition. Last evaluated: 2019-07-30. Review status: no assertion criteria provided. Collection method: clinical testing. Allele origin: germline. Not counted in ClinVar's aggregate classification.
Comment: This variant is classified as benign based on ACMG/AMP sequence variant interpretation guidelines (Richards et al. 2015 PMID: 25741868, with internal and published modifications).

NM_024652.6(LRRK1):c.5103C>T (p.Ser1701=)

Genes: LRRK1 (leucine rich repeat kinase 1; plus strand), LRRK1-AS1 (LRRK1 antisense RNA 1; minus strand). Cytogenetic location: 15q26.3.
Variant type: single nucleotide variant.
Coding change: c.5103C>T on transcript NM_024652.6 (MANE Select); coding-DNA position 5103, C replaced by T.
Protein change: p.Ser1701=; no amino-acid change (serine 1701 retained).
Molecular consequence: synonymous variant.
Genome position (GRCh38, 1-based): chr15:101,065,540, C>T. VCF-style: chr15-101065540-C-T. GRCh37 (hg19) VCF-style: chr15-101605745-C-T.
Other names: c.5103C>T (NM_024652.5).
Identifiers: ClinVar variation 1643075 (VCV001643075.11), dbSNP rs190667875, ClinGen allele CA7762072.